The following is an entry in ClinVar:

ClinVar aggregate classification (germline): Conflicting classifications of pathogenicity. Review status: criteria provided, conflicting classifications (1 of 4 stars). 3 submissions from 3 submitters: Uncertain significance (2); Likely benign (1). Last evaluated 2026-01-20.

Conditions:
Congenital hyperammonemia, type I. Also called: CPS I DEFICIENCY; Carbamoyl-phosphate synthase I deficiency; Carbamoyl phosphate synthetase I deficiency disease; Carbamoyl phosphate synthetase 1 deficiency; Hyperammonemia due to carbamoyl phosphate synthetase 1 deficiency; CPS 1 deficiency. Identifiers: Orphanet 147, MedGen C4082171, MONDO:0009376, OMIM 237300.

Allele frequency attached by ClinVar (database versions not stated): gnomAD exomes below 0.00001; gnomAD 0.00001 and 0.00002; TOPMed 0.00002.
gnomAD v4.1: 10 of 1,613,120 alleles (0.00062%); highest among the groups gnomAD compares: Middle Eastern, 0.033%; no homozygotes.

Submissions (3):

Labcorp Genetics (formerly Invitae), Labcorp
Classification: Likely benign for Congenital hyperammonemia, type I. Last evaluated: 2026-01-20. Review status: criteria provided, single submitter. Criteria: Invitae Variant Classification Sherloc (09022015). Collection method: clinical testing. Allele origin: germline.

Women's Health and Genetics/Laboratory Corporation of America, LabCorp
Classification: Uncertain significance. Last evaluated: 2025-07-09. Review status: criteria provided, single submitter. Criteria: LabCorp Variant Classification Summary - May 2015. Collection method: clinical testing. Allele origin: germline.
Comment: Variant summary: CPS1 c.49G>A (p.Gly17Ser) results in a non-conservative amino acid change in the encoded protein sequence. Algorithms developed to predict the effect of missense changes on protein structure and function are either unavailable or do not agree on the potential impact of this missense change. The variant allele was found at a frequency of 4e-06 in 251062 control chromosomes. The available data on variant occurrences in the general population are insufficient to allow any conclusion about variant significance. To our knowledge, no occurrence of c.49G>A in individuals affected with Carbamoylphosphate Synthetase I Deficiency and no experimental evidence demonstrating its impact on protein function have been reported. ClinVar contains an entry for this variant (Variation ID: 1525638). Based on the evidence outlined above, the variant was classified as uncertain significance.

Revvity Omics, Revvity
Classification: Uncertain significance for Congenital hyperammonemia, type I. Last evaluated: 2022-01-21. Review status: criteria provided, single submitter. Criteria: ACMG Guidelines, 2015. Collection method: clinical testing. Allele origin: germline.

NM_001875.5(CPS1):c.49G>A (p.Gly17Ser)

Gene: CPS1 (carbamoyl-phosphate synthase 1; plus strand). Cytogenetic location: 2q34.
Variant type: single nucleotide variant.
Coding change: c.49G>A on transcript NM_001875.5 (MANE Select); coding-DNA position 49, G replaced by A.
Protein change: p.Gly17Ser; replaces glycine 17 with serine.
Molecular consequence: missense variant. On other transcripts: non-coding transcript variant (1).
Genome position (GRCh38, 1-based): chr2:210,556,782, G>A. VCF-style: chr2-210556782-G-A. GRCh37 (hg19) VCF-style: chr2-211421506-G-A.
Other names: c.49G>A, p.Gly17Ser (NM_001122633.3, NM_001369257.1); c.82G>A, p.Gly28Ser (NM_001369256.1); short protein forms G28S, G17S.
Identifiers: ClinVar variation 1525638 (VCV001525638.9), dbSNP rs868808195, ClinGen allele CA64746652.